The following is an entry in ClinVar:

ClinVar aggregate classification (germline): Pathogenic. Review status: criteria provided, multiple submitters, no conflicts (2 of 4 stars). 2 submissions from 2 submitters: Pathogenic (2). Last evaluated 2024-07-30.

Conditions:
Familial adenomatous polyposis 3. Also called: NTHL1-Related Adenomatous Polyposis and Colorectal Cancer; NTHL1 Tumor Syndrome; NTHL1-related attenuated familial adenomatous polyposis; NTHL1-associated polyposis. Identifiers: Orphanet 220460, Orphanet 454840, MedGen C4225157, MONDO:0014630, OMIM 616415.

Submissions (2):

Labcorp Genetics (formerly Invitae), Labcorp
Classification: Pathogenic. Last evaluated: 2024-07-30. Review status: criteria provided, single submitter. Criteria: Invitae Variant Classification Sherloc (09022015). Collection method: clinical testing. Allele origin: germline.
Comment: This sequence change creates a premature translational stop signal (p.Gln197*) in the NTHL1 gene. It is expected to result in an absent or disrupted protein product. Loss-of-function variants in NTHL1 are known to be pathogenic (PMID: 25938944, 26559593). This variant is not present in population databases (gnomAD no frequency). This variant has not been reported in the literature in individuals affected with NTHL1-related conditions. For these reasons, this variant has been classified as Pathogenic.

Myriad Genetics, Inc.
Classification: Pathogenic for Familial adenomatous polyposis 3. Last evaluated: 2023-09-05. Review status: criteria provided, single submitter. Criteria: Myriad Autosomal Dominant, Autosomal Recessive and X-Linked Classification Criteria (2023). Collection method: clinical testing. Allele origin: unknown.
Comment: This variant is considered pathogenic. This variant creates a termination codon and is predicted to result in premature protein truncation.

Literature cited by the submitters: PubMed 25938944 (cited by Labcorp Genetics (formerly Invitae), Labcorp); PubMed 26559593 (cited by Labcorp Genetics (formerly Invitae), Labcorp).

NM_002528.7(NTHL1):c.565C>T (p.Gln189Ter)

Gene: NTHL1 (nth like DNA glycosylase 1; minus strand). Cytogenetic location: 16p13.3.
Variant type: single nucleotide variant.
Coding change: c.565C>T on transcript NM_002528.7 (MANE Select); coding-DNA position 565, C replaced by T.
Protein change: p.Gln189Ter; replaces glutamine 189 with a stop codon.
Molecular consequence: nonsense.
Genome position (GRCh38, 1-based): chr16:2,043,687, G>A on the plus strand (C>T on the coding strand, the complement: NTHL1 is on the minus strand). VCF-style: chr16-2043687-G-A. GRCh37 (hg19) VCF-style: chr16-2093688-G-A.
Other names: c.394C>T, p.Gln132Ter (NM_001318193.2); c.235C>T, p.Gln79Ter (NM_001318194.2); short protein forms Q132*, Q189*, Q79*.
Identifiers: ClinVar variation 2673805 (VCV002673805.3), dbSNP rs2548315177, ClinGen allele CA394292140.